The following is an entry in ClinVar:

ClinVar aggregate classification (germline): Uncertain significance (1 of 4 stars; one submission).

Conditions:
Inborn genetic diseases. Identifiers: MedGen C0950123, MeSH D030342.

gnomAD v4.1: 2 of 1,614,166 alleles (0.00012%); highest among the groups gnomAD compares: Non-Finnish European, 0.00017%; no homozygotes.

Submission:

Ambry Genetics
Classification: Uncertain significance for Inborn genetic diseases. Last evaluated: 2025-10-06. Review status: criteria provided, single submitter. Criteria: Ambry Variant Classification Scheme 2023. Collection method: clinical testing. Allele origin: germline.
Comment: The p.D979G variant (also known as c.2936A>G), located in coding exon 13 of the ASXL1 gene, results from an A to G substitution at nucleotide position 2936. The aspartic acid at codon 979 is replaced by glycine, an amino acid with similar properties. This amino acid position is conserved. In addition, this alteration is predicted to be tolerated by in silico analysis. Based on the available evidence, the clinical significance of this variant remains unclear.

NM_015338.6(ASXL1):c.2936A>G (p.Asp979Gly)

Gene: ASXL1 (ASXL transcriptional regulator 1; plus strand). Cytogenetic location: 20q11.21.
Variant type: single nucleotide variant.
Coding change: c.2936A>G on transcript NM_015338.6 (MANE Select); coding-DNA position 2936, A replaced by G.
Protein change: p.Asp979Gly; replaces aspartic acid 979 with glycine.
Molecular consequence: missense variant.
Genome position (GRCh38, 1-based): chr20:32,435,648, A>G. VCF-style: chr20-32435648-A-G. GRCh37 (hg19) VCF-style: chr20-31023451-A-G.
Other names: c.2753A>G, p.Asp918Gly (NM_001363734.1); short protein forms D979G, D918G.
Identifiers: ClinVar variation 4587673 (VCV004587673.1).